The following is an entry in ClinVar:

NM_017654.4(SAMD9):c.589T>C (p.Phe197Leu)

Gene: SAMD9 (sterile alpha motif domain containing 9; minus strand). Cytogenetic location: 7q21.2.
Variant type: single nucleotide variant.
Coding change: c.589T>C on transcript NM_017654.4 (MANE Select); coding-DNA position 589, T replaced by C.
Protein change: p.Phe197Leu; replaces phenylalanine 197 with leucine.
Molecular consequence: missense variant.
Genome position (GRCh38, 1-based): chr7:93,105,509, A>G on the plus strand (T>C on the coding strand, the complement: SAMD9 is on the minus strand). VCF-style: chr7-93105509-A-G. GRCh37 (hg19) VCF-style: chr7-92734822-A-G.
Other names: c.589T>C, p.Phe197Leu (NM_001193307.2); short protein forms F197L.
Identifiers: ClinVar variation 3949729 (VCV003949729.1).

ClinVar aggregate classification (germline): Uncertain significance (1 of 4 stars; one submission).

Conditions:
Inborn genetic diseases. Identifiers: MedGen C0950123, MeSH D030342.

Submission:

Ambry Genetics
Classification: Uncertain significance for Inborn genetic diseases. Last evaluated: 2025-06-12. Review status: criteria provided, single submitter. Criteria: Ambry Variant Classification Scheme 2023. Collection method: clinical testing. Allele origin: germline.
Comment: The p.F197L variant (also known as c.589T>C), located in coding exon 1 of the SAMD9 gene, results from a T to C substitution at nucleotide position 589. The phenylalanine at codon 197 is replaced by leucine, an amino acid with highly similar properties. This amino acid position is conserved. In addition, the in silico prediction for this alteration is inconclusive. Based on the available evidence, the clinical significance of this variant remains unclear.